The following is an entry in ClinVar:

NM_001077350.3(NPRL3):c.933G>C (p.Gln311His)

Genes: HBA-LCR (alpha-globin locus control region; plus strand), NPRL3 (NPR3 like, GATOR1 complex subunit; minus strand). Cytogenetic location: 16p13.3.
Variant type: single nucleotide variant.
Coding change: c.933G>C on transcript NM_001077350.3 (MANE Select); coding-DNA position 933, G replaced by C.
Protein change: p.Gln311His; replaces glutamine 311 with histidine.
Molecular consequence: missense variant.
Genome position (GRCh38, 1-based): chr16:93,317, C>G on the plus strand (G>C on the coding strand, the complement: NPRL3 is on the minus strand). VCF-style: chr16-93317-C-G. GRCh37 (hg19) VCF-style: chr16-143315-C-G.
Other names: c.396G>C, p.Gln132His (NM_001039476.3); c.699G>C, p.Gln233His (NM_001243247.2); c.858G>C, p.Gln286His (NM_001243248.2, NM_001243249.2); short protein forms Q132H, Q233H, Q286H, Q311H.
Identifiers: ClinVar variation 3363893 (VCV003363893.1).

ClinVar aggregate classification (germline): Uncertain significance (1 of 4 stars; one submission).

Submission:

GeneDx
Classification: Uncertain significance. Last evaluated: 2023-11-06. Review status: criteria provided, single submitter. Criteria: GeneDx Variant Classification Process June 2021. Collection method: clinical testing. Allele origin: germline. Affected: yes.
Comment: Not observed at significant frequency in large population cohorts (gnomAD); In silico analysis supports that this missense variant has a deleterious effect on protein structure/function; Has not been previously published as pathogenic or benign to our knowledge